The following is an entry in ClinVar:

ClinVar aggregate classification (germline): Likely benign (1 of 4 stars; one submission).

Allele frequency attached by ClinVar (database versions not stated): gnomAD 0.01292 and 0.01360; 1000 Genomes Project 0.01478; TOPMed 0.01529; 1000 Genomes Project 30x 0.01577.
gnomAD v4.1: 1,948 of 152,280 alleles (1.3%); highest among the groups gnomAD compares: African/African-American, 4.2%; 39 homozygotes.

Submission:

GeneDx
Classification: Likely benign. Last evaluated: 2018-06-16. Review status: criteria provided, single submitter. Criteria: GeneDx Variant Classification (06012015). Collection method: clinical testing. Allele origin: germline. Affected: yes.
Comment: This variant is considered likely benign or benign based on one or more of the following criteria: it is a conservative change, it occurs at a poorly conserved position in the protein, it is predicted to be benign by multiple in silico algorithms, and/or has population frequency not consistent with disease.

NM_001035.3(RYR2):c.7115+289T>C

Gene: RYR2 (ryanodine receptor 2; plus strand). Cytogenetic location: 1q43.
Variant type: single nucleotide variant.
Coding change: c.7115+289T>C on transcript NM_001035.3 (MANE Select); 289 bases into the intron after coding-DNA position 7115, T replaced by C.
Molecular consequence: intron variant.
Genome position (GRCh38, 1-based): chr1:237,639,490, T>C. VCF-style: chr1-237639490-T-C. GRCh37 (hg19) VCF-style: chr1-237802790-T-C.
Identifiers: ClinVar variation 673361 (VCV000673361.1), dbSNP rs114643406, ClinGen allele CA39788476.